The following is an entry in ClinVar:

NM_001379286.1(ZNF423):c.3468G>A (p.Pro1156=)

Gene: ZNF423 (zinc finger protein 423; minus strand). Cytogenetic location: 16q12.1.
Variant type: single nucleotide variant.
Coding change: c.3468G>A on transcript NM_001379286.1 (MANE Select); coding-DNA position 3468, G replaced by A.
Protein change: p.Pro1156=; no amino-acid change (proline 1156 retained).
Molecular consequence: synonymous variant.
Genome position (GRCh38, 1-based): chr16:49,635,708, C>T on the plus strand (G>A on the coding strand, the complement: ZNF423 is on the minus strand). VCF-style: chr16-49635708-C-T. GRCh37 (hg19) VCF-style: chr16-49669619-C-T.
Other names: c.3264G>A, p.Pro1088= (NM_001271620.2); c.3093G>A, p.Pro1031= (NM_001330533.2); c.3444G>A, p.Pro1148= (NM_015069.5); c.3444G>A (NM_015069.4).
Identifiers: ClinVar variation 1402840 (VCV001402840.9), dbSNP rs144663962, ClinGen allele CA8046293.
Genomic context (GRCh38, chr16:49,635,708, plus strand): 5'-GACTGCACTTACCCGGGGCACTGGCGATGTCTGGGTGCCTTTCCGGGGCCCACTGGTCTC[C>T]GGCGTGAGGTCACGGTGGTCCACCTGCATGTGGCTCTCCAGGTCTTCGGCACTCTCAAAC-3'
Protein context (NP_001366215.1, residues 1146-1166): HMQVDHRDLT[Pro1156=]ETSGPRKGTQ

ClinVar aggregate classification (germline): Likely benign. Review status: criteria provided, multiple submitters, no conflicts (2 of 4 stars). 2 submissions from 2 submitters: Likely benign (2). Last evaluated 2026-04-30.

Conditions:
ZNF423-related disorder. Also called: ZNF423-related condition.
Nephronophthisis 14 (NPHP14). Identifiers: Orphanet 2318, MedGen C3539071, MONDO:0013916, OMIM 614844.

Allele frequency attached by ClinVar (database versions not stated): ExAC 0.00002; gnomAD 0.00003 and 0.00004; gnomAD exomes 0.00003; ESP Exome Variant Server 0.00008; TOPMed 0.00008.
gnomAD v4.1: 33 of 1,602,086 alleles (0.0021%); highest among the groups gnomAD compares: African/African-American, 0.0094%; no homozygotes.

Submissions (2):

PreventionGenetics, part of Exact Sciences
Classification: Likely benign for ZNF423-related condition. Last evaluated: 2026-04-30. Review status: criteria provided, single submitter. Criteria: ACMG Guidelines, 2015. Collection method: clinical testing. Allele origin: germline.
Comment: This variant is classified as likely benign based on ACMG/AMP sequence variant interpretation guidelines (Richards et al. 2015 PMID: 25741868, with internal and published modifications).

Labcorp Genetics (formerly Invitae), Labcorp
Classification: Likely benign for Nephronophthisis 14. Last evaluated: 2025-05-22. Review status: criteria provided, single submitter. Criteria: Invitae Variant Classification Sherloc (09022015). Collection method: clinical testing. Allele origin: germline.